The following is an entry in ClinVar:

NM_021076.4(NEFH):c.887G>A (p.Arg296Lys)

Gene: NEFH (neurofilament heavy chain; plus strand). Cytogenetic location: 22q12.2.
Variant type: single nucleotide variant.
Coding change: c.887G>A on transcript NM_021076.4 (MANE Select); coding-DNA position 887, G replaced by A.
Protein change: p.Arg296Lys; replaces arginine 296 with lysine.
Molecular consequence: missense variant.
Genome position (GRCh38, 1-based): chr22:29,483,378, G>A. VCF-style: chr22-29483378-G-A. GRCh37 (hg19) VCF-style: chr22-29879367-G-A.
Other names: short protein forms R296K.
Identifiers: ClinVar variation 3637752 (VCV003637752.2).
Genomic context (GRCh38, chr22:29,483,378, plus strand): 5'-GCATTAGAACCCAGTCCAGGTGTGTCTAACCCTGTGCCCTGCTACCTTCTCCCCCAGTGA[G>A]GCTGGACCGACTGTCGGAGGCAGCCAAGGTGAACACAGACGCTATGCGCTCAGCGCAGGA-3'
Protein context (NP_066554.2, residues 286-306): TLQSEEWFRV[Arg296Lys]LDRLSEAAKV

ClinVar aggregate classification (germline): Uncertain significance (1 of 4 stars; one submission).

Submission:

Labcorp Genetics (formerly Invitae), Labcorp
Classification: Uncertain significance. Last evaluated: 2024-09-24. Review status: criteria provided, single submitter. Criteria: Invitae Variant Classification Sherloc (09022015). Collection method: clinical testing. Allele origin: germline.
Comment: This sequence change replaces arginine, which is basic and polar, with lysine, which is basic and polar, at codon 296 of the NEFH protein (p.Arg296Lys). This variant is not present in population databases (gnomAD no frequency). This variant has not been reported in the literature in individuals affected with NEFH-related conditions. Invitae Evidence Modeling of protein sequence and biophysical properties (such as structural, functional, and spatial information, amino acid conservation, physicochemical variation, residue mobility, and thermodynamic stability) indicates that this missense variant is not expected to disrupt NEFH protein function with a negative predictive value of 95%. In summary, the available evidence is currently insufficient to determine the role of this variant in disease. Therefore, it has been classified as a Variant of Uncertain Significance.